The following is an entry in ClinVar:

NM_001184.4(ATR):c.2368T>C (p.Cys790Arg)

Gene: ATR (ATR checkpoint kinase; minus strand). Cytogenetic location: 3q23.
Variant type: single nucleotide variant.
Coding change: c.2368T>C on transcript NM_001184.4 (MANE Select); coding-DNA position 2368, T replaced by C.
Protein change: p.Cys790Arg; replaces cysteine 790 with arginine.
Molecular consequence: missense variant.
Genome position (GRCh38, 1-based): chr3:142,553,989, A>G on the plus strand (T>C on the coding strand, the complement: ATR is on the minus strand). VCF-style: chr3-142553989-A-G. GRCh37 (hg19) VCF-style: chr3-142272831-A-G.
Other names: c.2176T>C, p.Cys726Arg (NM_001354579.2); short protein forms C726R, C790R.
Identifiers: ClinVar variation 1790249 (VCV001790249.2), dbSNP rs758142762, ClinGen allele CA2650372.

ClinVar aggregate classification (germline): Uncertain significance (1 of 4 stars; one submission).

Conditions:
Inborn genetic diseases. Identifiers: MedGen C0950123, MeSH D030342.

Allele frequency attached by ClinVar (database versions not stated): ExAC 0.00001.
gnomAD v4.1: 1 of 1,609,296 alleles (0.000062%); highest among the groups gnomAD compares: Non-Finnish European, 0.000085%; no homozygotes.

Submission:

Ambry Genetics
Classification: Uncertain significance for Inborn genetic diseases. Last evaluated: 2021-10-31. Review status: criteria provided, single submitter. Criteria: Ambry Variant Classification Scheme 2023. Collection method: clinical testing. Allele origin: germline.
Comment: The p.C790R variant (also known as c.2368T>C), located in coding exon 11 of the ATR gene, results from a T to C substitution at nucleotide position 2368. The cysteine at codon 790 is replaced by arginine, an amino acid with highly dissimilar properties. This amino acid position is conserved. In addition, this alteration is predicted to be deleterious by in silico analysis. Since supporting evidence is limited at this time, the clinical significance of this alteration remains unclear.